The following is an entry in ClinVar:

ClinVar aggregate classification (germline): Likely benign (1 of 4 stars; one submission).

Allele frequency attached by ClinVar (database versions not stated): 1000 Genomes Project 0.00140; 1000 Genomes Project 30x 0.00156.
gnomAD v4.1: 450 of 1,566,092 alleles (0.029%); highest among the groups gnomAD compares: Admixed American, 0.69%; 2 homozygotes.

Submission:

CeGaT Center for Human Genetics Tuebingen
Classification: Likely benign. Last evaluated: 2022-05-01. Review status: criteria provided, single submitter. Criteria: CeGaT Center For Human Genetics Tuebingen Variant Classification Criteria Version 2. Collection method: clinical testing. Allele origin: germline. Affected: yes. Observed: 1 variant allele.
Comment: NMUR1: BP4, BP7

NM_006056.5(NMUR1):c.864C>T (p.His288=)

Gene: NMUR1 (neuromedin U receptor 1; minus strand). Cytogenetic location: 2q37.1.
Variant type: single nucleotide variant.
Coding change: c.864C>T on transcript NM_006056.5 (MANE Select); coding-DNA position 864, C replaced by T.
Protein change: p.His288=; no amino-acid change (histidine 288 retained).
Molecular consequence: synonymous variant.
Genome position (GRCh38, 1-based): chr2:231,528,157, G>A on the plus strand (C>T on the coding strand, the complement: NMUR1 is on the minus strand). VCF-style: chr2-231528157-G-A. GRCh37 (hg19) VCF-style: chr2-232392868-G-A.
Identifiers: ClinVar variation 2652002 (VCV002652002.24), dbSNP rs200462040, ClinGen allele CA2162248.